The following is an entry in ClinVar:

ClinVar aggregate classification (germline): Likely benign (1 of 4 stars; one submission).

gnomAD v4.1: 15 of 1,611,528 alleles (0.00093%); highest among the groups gnomAD compares: South Asian, 0.0022%; no homozygotes.

Submission:

CeGaT Center for Human Genetics Tuebingen
Classification: Likely benign. Last evaluated: 2026-01-01. Review status: criteria provided, single submitter. Criteria: CeGaT Center For Human Genetics Tuebingen Variant Classification Criteria Version 2. Collection method: clinical testing. Allele origin: germline. Affected: yes. Observed: 1 variant allele.
Comment: ZNF699: BP4, BP7

NM_198535.3(ZNF699):c.1119C>T (p.Ser373=)

Gene: ZNF699 (zinc finger protein 699; minus strand). Cytogenetic location: 19p13.2.
Variant type: single nucleotide variant.
Coding change: c.1119C>T on transcript NM_198535.3 (MANE Select); coding-DNA position 1119, C replaced by T.
Protein change: p.Ser373=; no amino-acid change (serine 373 retained).
Molecular consequence: synonymous variant.
Genome position (GRCh38, 1-based): chr19:9,296,285, G>A on the plus strand (C>T on the coding strand, the complement: ZNF699 is on the minus strand). VCF-style: chr19-9296285-G-A. GRCh37 (hg19) VCF-style: chr19-9406961-G-A.
Identifiers: ClinVar variation 4821847 (VCV004821847.4).